The following is an entry in ClinVar:

NM_001009921.3(VPS8):c.3435G>A (p.Pro1145=)

Gene: VPS8 (VPS8 subunit of CORVET complex; plus strand). Cytogenetic location: 3q27.2.
Variant type: single nucleotide variant.
Coding change: c.3435G>A on transcript NM_001009921.3 (MANE Select); coding-DNA position 3435, G replaced by A.
Protein change: p.Pro1145=; no amino-acid change (proline 1145 retained).
Molecular consequence: synonymous variant. On other transcripts: non-coding transcript variant (1).
Genome position (GRCh38, 1-based): chr3:184,982,580, G>A. VCF-style: chr3-184982580-G-A. GRCh37 (hg19) VCF-style: chr3-184700368-G-A.
Other names: c.3435G>A, p.Pro1145= (NM_001349292.2, NM_001349293.2, NM_001349294.2 and 1 more transcripts); c.3396G>A, p.Pro1132= (NM_001349296.2); c.1716G>A, p.Pro572= (NM_001349297.2); c.1635G>A, p.Pro545= (NM_001349298.2); c.3429G>A, p.Pro1143= (NM_015303.4).
Identifiers: ClinVar variation 2654328 (VCV002654328.24), dbSNP rs201685683, ClinGen allele CA2738352.

ClinVar aggregate classification (germline): Likely benign (1 of 4 stars; one submission).

Allele frequency attached by ClinVar (database versions not stated): 1000 Genomes Project 30x 0.00016; 1000 Genomes Project 0.00020; ExAC 0.00107; TOPMed 0.00118; gnomAD 0.00123; ESP Exome Variant Server 0.00151; gnomAD exomes 0.00161.
gnomAD v4.1: 2,557 of 1,612,732 alleles (0.16%); highest among the groups gnomAD compares: Non-Finnish European, 0.17%; 2 homozygotes.

Submission:

CeGaT Center for Human Genetics Tuebingen
Classification: Likely benign. Last evaluated: 2023-01-01. Review status: criteria provided, single submitter. Criteria: CeGaT Center For Human Genetics Tuebingen Variant Classification Criteria Version 2. Collection method: clinical testing. Allele origin: germline. Affected: yes. Observed: 1 variant allele.
Comment: VPS8: BP4, BP7